The following is an entry in ClinVar:

ClinVar aggregate classification (germline): Uncertain significance. Review status: criteria provided, multiple submitters, no conflicts (2 of 4 stars). 2 submissions from 2 submitters: Uncertain significance (2). Last evaluated 2025-06-25.

Conditions:
Hereditary cancer-predisposing syndrome. Also called: Hereditary neoplastic syndrome; Tumor predisposition; Neoplastic Syndromes, Hereditary; Hereditary Cancer Syndrome. Identifiers: Orphanet 140162, MedGen C0027672, MeSH D009386, MONDO:0015356.

Submissions (2):

Ambry Genetics
Classification: Uncertain significance for Hereditary cancer-predisposing syndrome. Last evaluated: 2025-06-25. Review status: criteria provided, single submitter. Criteria: Ambry Variant Classification Scheme 2023. Collection method: clinical testing. Allele origin: germline.
Comment: The p.L282F variant (also known as c.846G>T), located in coding exon 6 of the NTHL1 gene, results from a G to T substitution at nucleotide position 846. The leucine at codon 282 is replaced by phenylalanine, an amino acid with highly similar properties. This amino acid position is conserved. In addition, the in silico prediction for this alteration is inconclusive. Based on the available evidence, the clinical significance of this variant remains unclear.

Labcorp Genetics (formerly Invitae), Labcorp
Classification: Uncertain significance. Last evaluated: 2023-09-03. Review status: criteria provided, single submitter. Criteria: Invitae Variant Classification Sherloc (09022015). Collection method: clinical testing. Allele origin: germline.
Comment: This sequence change replaces leucine, which is neutral and non-polar, with phenylalanine, which is neutral and non-polar, at codon 282 of the NTHL1 protein (p.Leu282Phe). In summary, the available evidence is currently insufficient to determine the role of this variant in disease. Therefore, it has been classified as a Variant of Uncertain Significance. An algorithm developed to predict the effect of missense changes on protein structure and function (PolyPhen-2) suggests that this variant is likely to be tolerated. This variant has not been reported in the literature in individuals affected with NTHL1-related conditions. This variant is not present in population databases (gnomAD no frequency).

NM_002528.7(NTHL1):c.822G>T (p.Leu274Phe)

Gene: NTHL1 (nth like DNA glycosylase 1; minus strand). Cytogenetic location: 16p13.3.
Variant type: single nucleotide variant.
Coding change: c.822G>T on transcript NM_002528.7 (MANE Select); coding-DNA position 822, G replaced by T.
Protein change: p.Leu274Phe; replaces leucine 274 with phenylalanine.
Molecular consequence: missense variant.
Genome position (GRCh38, 1-based): chr16:2,040,017, C>A on the plus strand (G>T on the coding strand, the complement: NTHL1 is on the minus strand). VCF-style: chr16-2040017-C-A. GRCh37 (hg19) VCF-style: chr16-2090018-C-A.
Other names: c.846G>T (NM_002528.5); c.651G>T, p.Leu217Phe (NM_001318193.2); c.492G>T, p.Leu164Phe (NM_001318194.2); short protein forms L164F, L217F, L274F.
Identifiers: ClinVar variation 2865663 (VCV002865663.4), dbSNP rs2548311497, ClinGen allele CA394287421.